The following is an entry in ClinVar:

ClinVar aggregate classification (germline): Uncertain significance (1 of 4 stars; one submission).

Conditions:
Joubert syndrome 21 (JBTS21). Identifiers: MedGen C3810212, MONDO:0014288, OMIM 615636.

Allele frequency attached by ClinVar (database versions not stated): gnomAD exomes below 0.00001; TOPMed 0.00001.
gnomAD v4.1: 2 of 1,613,280 alleles (0.00012%); highest among the groups gnomAD compares: Non-Finnish European, 0.00017%; no homozygotes.

Submission:

Labcorp Genetics (formerly Invitae), Labcorp
Classification: Uncertain significance for Joubert syndrome 21. Last evaluated: 2022-06-04. Review status: criteria provided, single submitter. Criteria: Invitae Variant Classification Sherloc (09022015). Collection method: clinical testing. Allele origin: germline.
Comment: This sequence change replaces valine, which is neutral and non-polar, with leucine, which is neutral and non-polar, at codon 850 of the CSPP1 protein (p.Val850Leu). This variant is not present in population databases (gnomAD no frequency). This variant has not been reported in the literature in individuals affected with CSPP1-related conditions. ClinVar contains an entry for this variant (Variation ID: 1369426). Algorithms developed to predict the effect of missense changes on protein structure and function are either unavailable or do not agree on the potential impact of this missense change (SIFT: "Tolerated"; PolyPhen-2: "Probably Damaging"; Align-GVGD: "Class C0"). In summary, the available evidence is currently insufficient to determine the role of this variant in disease. Therefore, it has been classified as a Variant of Uncertain Significance.

NM_001382391.1(CSPP1):c.2563G>C (p.Val855Leu)

Gene: CSPP1 (centrosome and spindle pole associated protein 1; plus strand). Cytogenetic location: 8q13.2.
Variant type: single nucleotide variant.
Coding change: c.2563G>C on transcript NM_001382391.1 (MANE Select); coding-DNA position 2563, G replaced by C.
Protein change: p.Val855Leu; replaces valine 855 with leucine.
Molecular consequence: missense variant.
Genome position (GRCh38, 1-based): chr8:67,161,835, G>C. VCF-style: chr8-67161835-G-C. GRCh37 (hg19) VCF-style: chr8-68074070-G-C.
Other names: c.1513G>C, p.Val505Leu (NM_001291339.2); c.2482G>C, p.Val828Leu (NM_001363131.2); c.2368G>C, p.Val790Leu (NM_001363132.2); c.2287G>C, p.Val763Leu (NM_001363133.2); c.2629G>C, p.Val877Leu (NM_001364869.1); c.2449G>C, p.Val817Leu (NM_001364870.1); c.2548G>C, p.Val850Leu (NM_024790.7); short protein forms V850L, V877L, V828L, V505L, V763L, V790L, V817L, V855L.
Identifiers: ClinVar variation 1369426 (VCV001369426.3), dbSNP rs1828419474, ClinGen allele CA371191976.